The following is an entry in ClinVar:

ClinVar aggregate classification (germline): Uncertain significance. Review status: criteria provided, multiple submitters, no conflicts (2 of 4 stars). 2 submissions from 2 submitters: Uncertain significance (2). Last evaluated 2025-11-13.

Conditions:
Hereditary cancer-predisposing syndrome. Also called: Hereditary Cancer Syndrome; Tumor predisposition; Neoplastic Syndromes, Hereditary; Hereditary neoplastic syndrome. Identifiers: Orphanet 140162, MedGen C0027672, MeSH D009386, MONDO:0015356.
Familial cancer of breast. Also called: hereditary breast carcinoma; BREAST CANCER, FAMILIAL; Hereditary breast cancer. Identifiers: Orphanet 227535, MedGen C0346153, MONDO:0016419, OMIM 114480. Disease mechanism: loss of function.

Submissions (2):

Labcorp Genetics (formerly Invitae), Labcorp
Classification: Uncertain significance for Familial cancer of breast. Last evaluated: 2025-11-13. Review status: criteria provided, single submitter. Criteria: Invitae Variant Classification Sherloc (09022015). Collection method: clinical testing. Allele origin: germline.
Comment: This sequence change replaces phenylalanine, which is neutral and non-polar, with cysteine, which is neutral and slightly polar, at codon 310 of the CHEK2 protein (p.Phe310Cys). This variant is not present in population databases (gnomAD no frequency). This variant has not been reported in the literature in individuals affected with CHEK2-related conditions. ClinVar contains an entry for this variant (Variation ID: 2028933). An algorithm developed to predict the effect of missense changes on protein structure and function (PolyPhen-2) suggests that this variant is likely to be disruptive. In summary, the available evidence is currently insufficient to determine the role of this variant in disease. Therefore, it has been classified as a Variant of Uncertain Significance.

Ambry Genetics
Classification: Uncertain significance for Hereditary cancer-predisposing syndrome. Last evaluated: 2024-12-07. Review status: criteria provided, single submitter. Criteria: Ambry Variant Classification Scheme 2023. Collection method: clinical testing. Allele origin: germline.
Comment: The p.F310C variant (also known as c.929T>G), located in coding exon 8 of the CHEK2 gene, results from a T to G substitution at nucleotide position 929. The phenylalanine at codon 310 is replaced by cysteine, an amino acid with highly dissimilar properties. This amino acid position is conserved. In addition, the in silico prediction for this alteration is inconclusive. Based on the available evidence, the clinical significance of this variant remains unclear.

NM_007194.4(CHEK2):c.929T>G (p.Phe310Cys)

Gene: CHEK2 (checkpoint kinase 2; minus strand). Cytogenetic location: 22q12.1.
Variant type: single nucleotide variant.
Coding change: c.929T>G on transcript NM_007194.4 (MANE Select); coding-DNA position 929, T replaced by G.
Protein change: p.Phe310Cys; replaces phenylalanine 310 with cysteine.
Molecular consequence: missense variant.
Genome position (GRCh38, 1-based): chr22:28,699,917, A>C on the plus strand (T>G on the coding strand, the complement: CHEK2 is on the minus strand). VCF-style: chr22-28699917-A-C. GRCh37 (hg19) VCF-style: chr22-29095905-A-C.
Other names: c.1058T>G, p.Phe353Cys (NM_001005735.3); c.266T>G, p.Phe89Cys (NM_001257387.3); c.728T>G, p.Phe243Cys (NM_001349956.3); c.929T>G, p.Phe310Cys (NM_145862.3); short protein forms F310C, F89C, F243C, F353C.
Identifiers: ClinVar variation 2028933 (VCV002028933.5), dbSNP rs2517850473, ClinGen allele CA411100060.